The following is an entry in ClinVar:

ClinVar aggregate classification (germline): Benign. Review status: criteria provided, multiple submitters, no conflicts (2 of 4 stars). 2 submissions from 2 submitters: Benign (2). Last evaluated 2018-06-19.

Allele frequency attached by ClinVar (database versions not stated): gnomAD exomes 0.45408; gnomAD 0.54960 and 0.55352; TOPMed 0.55923; 1000 Genomes Project 30x 0.66474; 1000 Genomes Project 0.66933.
gnomAD v4.1: 709,427 of 1,525,248 alleles (47%); highest among the groups gnomAD compares: East Asian, 85%; 174,491 homozygotes.

Submissions (2):

GeneDx
Classification: Benign. Last evaluated: 2018-06-19. Review status: criteria provided, single submitter. Criteria: GeneDx Variant Classification (06012015). Collection method: clinical testing. Allele origin: germline. Affected: yes.
Comment: This variant is considered likely benign or benign based on one or more of the following criteria: it is a conservative change, it occurs at a poorly conserved position in the protein, it is predicted to be benign by multiple in silico algorithms, and/or has population frequency not consistent with disease.

Breakthrough Genomics
Classification: Benign. Review status: criteria provided, single submitter. Criteria: ACMG Guidelines, 2015. Collection method: not provided. Allele origin: germline. Inheritance: Unknown mechanism. Affected: yes.

NM_015141.4(GPD1L):c.619-135G>A

Gene: GPD1L (glycerol-3-phosphate dehydrogenase 1 like; plus strand). Cytogenetic location: 3p22.3.
Variant type: single nucleotide variant.
Coding change: c.619-135G>A on transcript NM_015141.4 (MANE Select); 135 bases into the intron before coding-DNA position 619, G replaced by A.
Molecular consequence: intron variant.
Genome position (GRCh38, 1-based): chr3:32,158,741, G>A. VCF-style: chr3-32158741-G-A. GRCh37 (hg19) VCF-style: chr3-32200233-G-A.
Identifiers: ClinVar variation 671835 (VCV000671835.2), dbSNP rs2305362, ClinGen allele CA11470345.